The following is an entry in ClinVar:

ClinVar aggregate classification (germline): Uncertain significance (1 of 4 stars; one submission).

Submission:

GeneDx
Classification: Uncertain significance. Last evaluated: 2017-02-28. Review status: criteria provided, single submitter. Criteria: GeneDx Variant Classification (06012015). Collection method: clinical testing. Allele origin: germline. Affected: yes.
Comment: The c.545-12 C>G variant has not been published as a pathogenic variant, nor has it been reported as a benign variant to our knowledge. The variant is not observed in large population cohorts (Lek et al., 2016; 1000 Genomes Consortium et al., 2015; Exome Variant Server). Several in-silico splice prediction models predict that c.545-12 C>G creates a cryptic acceptor site which may supplant the natural acceptor site and lead to abnormal gene splicing. However, the in-silico predictors were inconclusive on the effect on the natural splice acceptor site, as the natural ATP2A2 intron 6 acceptor site deviates from the consensus site sequence. In the absence of RNA/functional studies, the actual effect of this sequence change is unknown. Therefore, based on the currently available information, it is unclear whether this variant is a pathogenic variant or a rare benign variant.

NM_170665.4(ATP2A2):c.545-12C>G

Gene: ATP2A2 (ATPase sarcoplasmic/endoplasmic reticulum Ca2+ transporting 2; plus strand). Cytogenetic location: 12q24.11.
Variant type: single nucleotide variant.
Coding change: c.545-12C>G on transcript NM_170665.4 (MANE Select); 12 bases into the intron before coding-DNA position 545, C replaced by G.
Molecular consequence: intron variant.
Genome position (GRCh38, 1-based): chr12:110,326,378, C>G. VCF-style: chr12-110326378-C-G. GRCh37 (hg19) VCF-style: chr12-110764183-C-G.
Other names: c.545-12C>G (NM_001681.4).
Identifiers: ClinVar variation 424110 (VCV000424110.2), dbSNP rs1064796802, ClinGen allele CA16619430.